The following is an entry in ClinVar:

ClinVar aggregate classification (germline): Likely pathogenic (1 of 4 stars; one submission).

Submission:

Labcorp Genetics (formerly Invitae), Labcorp
Classification: Likely pathogenic. Last evaluated: 2023-11-06. Review status: criteria provided, single submitter. Criteria: Invitae Variant Classification Sherloc (09022015). Collection method: clinical testing. Allele origin: germline.
Comment: This sequence change replaces cysteine, which is neutral and slightly polar, with tyrosine, which is neutral and polar, at codon 72 of the EBP protein (p.Cys72Tyr). This variant is not present in population databases (gnomAD no frequency). This missense change has been observed in individual(s) with Conradi-Hünermann-Happle syndrome (PMID: 12509714; Invitae). Advanced modeling of protein sequence and biophysical properties (such as structural, functional, and spatial information, amino acid conservation, physicochemical variation, residue mobility, and thermodynamic stability) performed at Invitae indicates that this missense variant is expected to disrupt EBP protein function with a positive predictive value of 80%. In summary, the currently available evidence indicates that the variant is pathogenic, but additional data are needed to prove that conclusively. Therefore, this variant has been classified as Likely Pathogenic.

Literature cited by the submitters: PubMed 12509714.

NM_006579.3(EBP):c.215G>A (p.Cys72Tyr)

Gene: EBP (EBP cholestenol delta-isomerase; plus strand). Cytogenetic location: Xp11.23.
Variant type: single nucleotide variant.
Coding change: c.215G>A on transcript NM_006579.3 (MANE Select); coding-DNA position 215, G replaced by A.
Protein change: p.Cys72Tyr; replaces cysteine 72 with tyrosine.
Molecular consequence: missense variant.
Genome position (GRCh38, 1-based): chrX:48,523,986, G>A. VCF-style: chrX-48523986-G-A. GRCh37 (hg19) VCF-style: chrX-48382374-G-A.
Other names: short protein forms C72Y.
Identifiers: ClinVar variation 2737222 (VCV002737222.3), dbSNP rs2519522305, ClinGen allele CA412851575.